The following is an entry in ClinVar:

ClinVar aggregate classification (germline): Uncertain significance (1 of 4 stars; one submission).

Allele frequency attached by ClinVar (database versions not stated): gnomAD exomes below 0.00001; TOPMed below 0.00001; gnomAD 0.00001.
gnomAD v4.1: 2 of 1,613,890 alleles (0.00012%); highest among the groups gnomAD compares: Non-Finnish European, 0.00017%; no homozygotes.

Submission:

Labcorp Genetics (formerly Invitae), Labcorp
Classification: Uncertain significance. Last evaluated: 2022-05-21. Review status: criteria provided, single submitter. Criteria: Invitae Variant Classification Sherloc (09022015). Collection method: clinical testing. Allele origin: germline.
Comment: In summary, the available evidence is currently insufficient to determine the role of this variant in disease. Therefore, it has been classified as a Variant of Uncertain Significance. Algorithms developed to predict the effect of missense changes on protein structure and function are either unavailable or do not agree on the potential impact of this missense change (SIFT: "Deleterious"; PolyPhen-2: "Benign"; Align-GVGD: "Class C0"). This variant has not been reported in the literature in individuals affected with KDM5A-related conditions. This variant is not present in population databases (gnomAD no frequency). This sequence change replaces serine, which is neutral and polar, with isoleucine, which is neutral and non-polar, at codon 1362 of the KDM5A protein (p.Ser1362Ile).

NM_001042603.3(KDM5A):c.4085G>T (p.Ser1362Ile)

Gene: KDM5A (lysine demethylase 5A; minus strand). Cytogenetic location: 12p13.33.
Variant type: single nucleotide variant.
Coding change: c.4085G>T on transcript NM_001042603.3 (MANE Select); coding-DNA position 4085, G replaced by T.
Protein change: p.Ser1362Ile; replaces serine 1362 with isoleucine.
Molecular consequence: missense variant.
Genome position (GRCh38, 1-based): chr12:297,190, C>A on the plus strand (G>T on the coding strand, the complement: KDM5A is on the minus strand). VCF-style: chr12-297190-C-A. GRCh37 (hg19) VCF-style: chr12-406356-C-A.
Other names: short protein forms S1362I.
Identifiers: ClinVar variation 1997638 (VCV001997638.4), dbSNP rs1430695465, ClinGen allele CA383627977.
Genomic context (GRCh38, chr12:297,190, plus strand): 5'-TTGATGGGAATCTCTTCATCACAAAAAAGATTGGGTTCAAGACTACTAGAGGACTTCACA[C>A]TGGCTGTGTCCTGAAGAAGAAACAAAGAGAAGTATTCAGAATTAGAGTCATTTAACTTAT-3'
Protein context (NP_001036068.1, residues 1352-1372): TYGYDMKDTA[Ser1362Ile]VKSSSSLEPN